The following is an entry in ClinVar:

ClinVar aggregate classification (germline): Uncertain significance (1 of 4 stars; one submission).

Submission:

Labcorp Genetics (formerly Invitae), Labcorp
Classification: Uncertain significance. Last evaluated: 2024-09-29. Review status: criteria provided, single submitter. Criteria: Invitae Variant Classification Sherloc (09022015). Collection method: clinical testing. Allele origin: germline.
Comment: This sequence change replaces arginine, which is basic and polar, with histidine, which is basic and polar, at codon 5 of the ROR1 protein (p.Arg5His). This variant is not present in population databases (gnomAD no frequency). This variant has not been reported in the literature in individuals affected with ROR1-related conditions. Experimental studies and prediction algorithms are not available or were not evaluated, and the functional significance of this variant is currently unknown. In summary, the available evidence is currently insufficient to determine the role of this variant in disease. Therefore, it has been classified as a Variant of Uncertain Significance.

NM_005012.4(ROR1):c.14G>A (p.Arg5His)

Gene: ROR1 (receptor tyrosine kinase like orphan receptor 1; plus strand). Cytogenetic location: 1p31.3.
Variant type: single nucleotide variant.
Coding change: c.14G>A on transcript NM_005012.4 (MANE Select); coding-DNA position 14, G replaced by A.
Protein change: p.Arg5His; replaces arginine 5 with histidine.
Molecular consequence: missense variant.
Genome position (GRCh38, 1-based): chr1:63,774,431, G>A. VCF-style: chr1-63774431-G-A. GRCh37 (hg19) VCF-style: chr1-64240102-G-A.
Other names: c.14G>A, p.Arg5His (NM_001083592.2); short protein forms R5H.
Identifiers: ClinVar variation 3682221 (VCV003682221.2).